The following is an entry in ClinVar:

NM_001377.3(DYNC2H1):c.10559T>A (p.Leu3520Ter)

Gene: DYNC2H1 (dynein cytoplasmic 2 heavy chain 1; plus strand). Cytogenetic location: 11q22.3.
Variant type: single nucleotide variant.
Coding change: c.10559T>A on transcript NM_001377.3 (MANE Select); coding-DNA position 10559, T replaced by A.
Protein change: p.Leu3520Ter; replaces leucine 3520 with a stop codon.
Molecular consequence: nonsense.
Genome position (GRCh38, 1-based): chr11:103,257,705, T>A. VCF-style: chr11-103257705-T-A. GRCh37 (hg19) VCF-style: chr11-103128434-T-A.
Other names: c.10580T>A, p.Leu3527Ter (NM_001080463.2); short protein forms L3527*, L3520*.
Identifiers: ClinVar variation 3686247 (VCV003686247.3).
Genomic context (GRCh38, chr11:103,257,705, plus strand): 5'-GCAAGATGTACTTCATTATTTCTGATTTGTCCAAAATTAATAACATGTACCGTTTTAGTT[T>A]GGCTGCTTTTCTCCGACTTTTCCAACGAGCTCTACAAAACAAACAGGTAAGCTGTTGGAT-3'

ClinVar aggregate classification (germline): Pathogenic. Review status: criteria provided, multiple submitters, no conflicts (2 of 4 stars). 2 submissions from 2 submitters: Pathogenic (2). Last evaluated 2025-05-25.

Conditions:
Asphyxiating thoracic dystrophy 3. Also called: SHORT-RIB THORACIC DYSPLASIA 3/6 WITH POLYDACTYLY, DIGENIC; Saldino-Noonan Syndrome; SHORT-RIB THORACIC DYSPLASIA 3 WITH OR WITHOUT POLYDACTYLY; POLYDACTYLY WITH NEONATAL CHONDRODYSTROPHY, TYPE I; Short rib polydactyly syndrome 2B. Identifiers: Orphanet 474, Orphanet 93269, Orphanet 93270, Orphanet 93271, MedGen C0036069, MONDO:0013127, OMIM 613091.
Jeune thoracic dystrophy. Also called: Jeune syndrome; Infantile thoracic dystrophy; Thoracic pelvic phalangeal dystrophy; Jeune's syndrome; Chondroectodermal dysplasia-like syndrome; Short-rib thoracic dysplasia. Identifiers: Orphanet 474, MedGen C0265275, MONDO:0018770.

Submissions (2):

Myriad Genetics, Inc.
Classification: Pathogenic for Asphyxiating thoracic dystrophy 3. Last evaluated: 2025-05-25. Review status: criteria provided, single submitter. Criteria: Myriad Autosomal Dominant, Autosomal Recessive and X-Linked Classification Criteria (2023). Collection method: clinical testing. Allele origin: unknown.
Comment: NM_001377.2(DYNC2H1):c.10559T>A(L3520*) is expected to be pathogenic in the context of DYNC2H1-related disorders. This variant is predicted to lead to an abnormal or absent protein product due to the creation of a premature termination codon in DYNC2H1, a gene where loss-of-function variants are known to be pathogenic. Please note: this variant was assessed in the context of healthy population screening.

Labcorp Genetics (formerly Invitae), Labcorp
Classification: Pathogenic for Jeune thoracic dystrophy. Last evaluated: 2024-06-04. Review status: criteria provided, single submitter. Criteria: Invitae Variant Classification Sherloc (09022015). Collection method: clinical testing. Allele origin: germline.
Comment: This sequence change creates a premature translational stop signal (p.Leu3527*) in the DYNC2H1 gene. It is expected to result in an absent or disrupted protein product. Loss-of-function variants in DYNC2H1 are known to be pathogenic (PMID: 23339108, 32753734, 33755199). This variant is not present in population databases (gnomAD no frequency). This variant has not been reported in the literature in individuals affected with DYNC2H1-related conditions. For these reasons, this variant has been classified as Pathogenic.

Literature cited by the submitters: PubMed 23339108 (cited by Labcorp Genetics (formerly Invitae), Labcorp); PubMed 32753734 (cited by Labcorp Genetics (formerly Invitae), Labcorp); PubMed 33755199 (cited by Labcorp Genetics (formerly Invitae), Labcorp).